The following is an entry in ClinVar:

NM_005273.4(GNB2):c.451T>A (p.Phe151Ile)

Gene: GNB2 (G protein subunit beta 2; plus strand). Cytogenetic location: 7q22.1.
Variant type: single nucleotide variant.
Coding change: c.451T>A on transcript NM_005273.4 (MANE Select); coding-DNA position 451, T replaced by A.
Protein change: p.Phe151Ile; replaces phenylalanine 151 with isoleucine.
Molecular consequence: missense variant.
Genome position (GRCh38, 1-based): chr7:100,677,772, T>A. VCF-style: chr7-100677772-T-A. GRCh37 (hg19) VCF-style: chr7-100275395-T-A.
Other names: short protein forms F151I.
Identifiers: ClinVar variation 2309249 (VCV002309249.2), dbSNP rs2486198619, ClinGen allele CA368516512.

ClinVar aggregate classification (germline): Uncertain significance (1 of 4 stars; one submission).

Conditions:
Inborn genetic diseases. Identifiers: MedGen C0950123, MeSH D030342.

Submission:

Ambry Genetics
Classification: Uncertain significance for Inborn genetic diseases. Last evaluated: 2022-10-07. Review status: criteria provided, single submitter. Criteria: Ambry Variant Classification Scheme 2023. Collection method: clinical testing. Allele origin: germline.
Comment: The c.451T>A (p.F151I) alteration is located in exon 7 (coding exon 6) of the GNB2 gene. This alteration results from a T to A substitution at nucleotide position 451, causing the phenylalanine (F) at amino acid position 151 to be replaced by an isoleucine (I). This variant was not reported in population-based cohorts in the Genome Aggregation Database (gnomAD). This amino acid position is highly conserved in available vertebrate species. This missense alteration is located in a region that has a low rate of benign missense variation (Lek, 2016; Firth, 2009). The in silico prediction for this alteration is inconclusive. Based on insufficient or conflicting evidence, the clinical significance of this alteration remains unclear.